The following is an entry in ClinVar:

ClinVar aggregate classification (germline): Uncertain significance (1 of 4 stars; one submission).

Conditions:
Charcot-Marie-Tooth disease type 4. Also called: Charcot-Marie-Tooth, Type 4; Charcot-Marie-Tooth disease, type IV. Identifiers: Orphanet 64749, MedGen C4082197, MONDO:0018995.

Submission:

Labcorp Genetics (formerly Invitae), Labcorp
Classification: Uncertain significance for Charcot-Marie-Tooth disease type 4. Last evaluated: 2022-07-18. Review status: criteria provided, single submitter. Criteria: Invitae Variant Classification Sherloc (09022015). Collection method: clinical testing. Allele origin: germline.
Comment: In summary, the available evidence is currently insufficient to determine the role of this variant in disease. Therefore, it has been classified as a Variant of Uncertain Significance. Algorithms developed to predict the effect of missense changes on protein structure and function are either unavailable or do not agree on the potential impact of this missense change (SIFT: "Deleterious"; PolyPhen-2: "Benign"; Align-GVGD: "Class C15"). This variant has not been reported in the literature in individuals affected with FGD4-related conditions. This variant is not present in population databases (gnomAD no frequency). This sequence change replaces aspartic acid, which is acidic and polar, with valine, which is neutral and non-polar, at codon 148 of the FGD4 protein (p.Asp148Val). ClinVar contains an entry for this variant (Variation ID: 577347).

NM_001370298.3(FGD4):c.854A>T (p.Asp285Val)

Gene: FGD4 (FYVE, RhoGEF and PH domain containing 4; plus strand). Cytogenetic location: 12p11.21.
Variant type: single nucleotide variant.
Coding change: c.854A>T on transcript NM_001370298.3 (MANE Select); coding-DNA position 854, A replaced by T.
Protein change: p.Asp285Val; replaces aspartic acid 285 with valine.
Molecular consequence: missense variant. On other transcripts: 5 prime UTR variant (2), non-coding transcript variant (1), intron variant (1).
Genome position (GRCh38, 1-based): chr12:32,582,310, A>T. VCF-style: chr12-32582310-A-T. GRCh37 (hg19) VCF-style: chr12-32735244-A-T.
Other names: c.698A>T, p.Asp233Val (NM_001304481.2); c.-402A>T (NM_001304483.2); c.-709A>T (NM_001304484.2); c.164A>T, p.Asp55Val (NM_001330373.2, NM_001330374.2, NM_001384130.1); c.854A>T, p.Asp285Val (NM_001384126.1); c.443A>T, p.Asp148Val (NM_001384127.1, NM_001384128.1, NM_001384131.1 and 3 more transcripts); c.49-16187A>T (NM_001370297.1); short protein forms D148V, D233V, D55V, D285V.
Identifiers: ClinVar variation 577347 (VCV000577347.8), dbSNP rs1565869688, ClinGen allele CA384356267.